The following is an entry in ClinVar:

ClinVar aggregate classification (germline): Uncertain significance. Review status: criteria provided, multiple submitters, no conflicts (2 of 4 stars). 3 submissions from 3 submitters: Uncertain significance (3). Last evaluated 2025-11-20.

Conditions:
Primary ciliary dyskinesia 18. Also called: CILIARY DYSKINESIA, PRIMARY, 18, WITH OR WITHOUT SITUS INVERSUS. Identifiers: Orphanet 244, MedGen C3543825, MONDO:0013940, OMIM 614874.
Primary ciliary dyskinesia. Also called: Ciliary dyskinesia. Identifiers: Orphanet 244, MedGen C0008780, MONDO:0016575, HP:0012265.

Allele frequency attached by ClinVar (database versions not stated): gnomAD exomes below 0.00001 and 0.00001; gnomAD 0.00001 and 0.00002; TOPMed 0.00001; 1000 Genomes Project 0.00020; 1000 Genomes Project 30x 0.00031.
gnomAD v4.1: 9 of 1,614,224 alleles (0.00056%); highest among the groups gnomAD compares: Admixed American, 0.0067%; no homozygotes.

Submissions (3):

Ambry Genetics
Classification: Uncertain significance for Primary ciliary dyskinesia. Last evaluated: 2025-11-20. Review status: criteria provided, single submitter. Criteria: Ambry Variant Classification Scheme 2023. Collection method: clinical testing. Allele origin: germline.

Genetics and Molecular Pathology, SA Pathology
Classification: Uncertain significance for Primary ciliary dyskinesia 18. Last evaluated: 2020-03-24. Review status: criteria provided, single submitter. Criteria: ACMG Guidelines, 2015. Collection method: clinical testing. Allele origin: germline. Inheritance: Autosomal recessive inheritance. Affected: yes.

Labcorp Genetics (formerly Invitae), Labcorp
Classification: Uncertain significance for Primary ciliary dyskinesia. Last evaluated: 2019-06-25. Review status: criteria provided, single submitter. Criteria: Invitae Variant Classification Sherloc (09022015). Collection method: clinical testing. Allele origin: germline.
Comment: In summary, the available evidence is currently insufficient to determine the role of this variant in disease. Therefore, it has been classified as a Variant of Uncertain Significance. Algorithms developed to predict the effect of missense changes on protein structure and function do not agree on the potential impact of this missense change (SIFT: "Tolerated"; PolyPhen-2: "Probably Damaging"; Align-GVGD: "Class C0"). This variant has not been reported in the literature in individuals with DNAAF5-related disease. This variant is not present in population databases (ExAC no frequency). This sequence change replaces arginine with glutamine at codon 253 of the DNAAF5 protein (p.Arg253Gln). The arginine residue is moderately conserved and there is a small physicochemical difference between arginine and glutamine.

NM_017802.4(DNAAF5):c.758G>A (p.Arg253Gln)

Gene: DNAAF5 (dynein axonemal assembly factor 5; plus strand). Cytogenetic location: 7p22.3.
Variant type: single nucleotide variant.
Coding change: c.758G>A on transcript NM_017802.4 (MANE Select); coding-DNA position 758, G replaced by A.
Protein change: p.Arg253Gln; replaces arginine 253 with glutamine.
Molecular consequence: missense variant. On other transcripts: non-coding transcript variant (1).
Genome position (GRCh38, 1-based): chr7:729,825, G>A. VCF-style: chr7-729825-G-A. GRCh37 (hg19) VCF-style: chr7-769462-G-A.
Other names: short protein forms R253Q.
Identifiers: ClinVar variation 581791 (VCV000581791.13), dbSNP rs545123585, ClinGen allele CA152334441.